The following is an entry in ClinVar:

ClinVar aggregate classification (germline): Pathogenic (1 of 4 stars; one submission).

Conditions:
Neurofibromatosis, type 1 (NF1). Also called: VON RECKLINGHAUSEN DISEASE; NEUROFIBROMATOSIS, TYPE I, SOMATIC; Peripheral type neurofibromatosis; Neurofibromatosis, type I. Identifiers: Orphanet 636, MedGen C0027831, MONDO:0018975, OMIM 162200. Disease mechanism: loss of function.

Submission:

Labcorp Genetics (formerly Invitae), Labcorp
Classification: Pathogenic for Neurofibromatosis, type 1. Last evaluated: 2024-12-22. Review status: criteria provided, single submitter. Criteria: Invitae Variant Classification Sherloc (09022015). Collection method: clinical testing. Allele origin: germline.
Comment: This sequence change affects a donor splice site in intron 52 of the NF1 gene. It is expected to disrupt RNA splicing. Variants that disrupt the donor or acceptor splice site typically lead to a loss of protein function (PMID: 16199547), and loss-of-function variants in NF1 are known to be pathogenic (PMID: 10712197, 23913538). This variant is not present in population databases (gnomAD no frequency). Disruption of this splice site has been observed in individuals with neurofibromatosis, type 1 (PMID: 11857752, 26056819; internal data). ClinVar contains an entry for this variant (Variation ID: 457859). Algorithms developed to predict the effect of sequence changes on RNA splicing suggest that this variant may disrupt the consensus splice site. For these reasons, this variant has been classified as Pathogenic.

Literature cited by the submitters: PubMed 16199547; PubMed 10712197; PubMed 23913538; PubMed 11857752; PubMed 26056819.

NM_001042492.3(NF1):c.7869+2T>G

Gene: NF1 (neurofibromin 1; plus strand). Cytogenetic location: 17q11.2.
Variant type: single nucleotide variant.
Coding change: c.7869+2T>G on transcript NM_001042492.3 (MANE Select); the canonical splice donor site of the intron after coding-DNA position 7869, T replaced by G.
Molecular consequence: splice donor variant.
Genome position (GRCh38, 1-based): chr17:31,357,092, T>G. VCF-style: chr17-31357092-T-G. GRCh37 (hg19) VCF-style: chr17-29684110-T-G.
Other names: c.7806+2T>G (NM_000267.4).
Identifiers: ClinVar variation 457859 (VCV000457859.5), dbSNP rs1555536724, ClinGen allele CA399018729.